The following is an entry in ClinVar:

ClinVar aggregate classification (germline): Conflicting classifications of pathogenicity. Review status: criteria provided, conflicting classifications (1 of 4 stars). 2 submissions from 2 submitters: Uncertain significance (1); Likely benign (1). Last evaluated 2025-02-08.

Conditions:
FREM1-related disorder. Also called: FREM1-related condition; FREM1-Related Disorders.
Inborn genetic diseases. Identifiers: MedGen C0950123, MeSH D030342.

gnomAD v4.1: 33 of 1,612,954 alleles (0.002%); highest among the groups gnomAD compares: Admixed American, 0.01%; no homozygotes.

Submissions (2):

PreventionGenetics, part of Exact Sciences
Classification: Uncertain significance for FREM1-related condition. Last evaluated: 2025-02-08. Review status: criteria provided, single submitter. Criteria: ACMG Guidelines, 2015. Collection method: clinical testing. Allele origin: germline.
Comment: The FREM1 c.6299G>A variant is predicted to result in the amino acid substitution p.Arg2100Gln. To our knowledge, this variant has not been reported in the literature. This variant is reported in 0.028% of alleles in individuals of European (Finnish) descent in gnomAD. At this time, the clinical significance of this variant is uncertain due to the absence of conclusive functional and genetic evidence.

Ambry Genetics
Classification: Likely benign for Inborn genetic diseases. Last evaluated: 2024-10-04. Review status: criteria provided, single submitter. Criteria: Ambry Variant Classification Scheme 2023. Collection method: clinical testing. Allele origin: germline.

NM_001379081.2(FREM1):c.6299G>A (p.Arg2100Gln)

Gene: FREM1 (FRAS1 related extracellular matrix 1; minus strand). Cytogenetic location: 9p22.3.
Variant type: single nucleotide variant.
Coding change: c.6299G>A on transcript NM_001379081.2 (MANE Select); coding-DNA position 6299, G replaced by A.
Protein change: p.Arg2100Gln; replaces arginine 2100 with glutamine.
Molecular consequence: missense variant. On other transcripts: synonymous variant (1), non-coding transcript variant (3).
Genome position (GRCh38, 1-based): chr9:14,740,190, C>T on the plus strand (G>A on the coding strand, the complement: FREM1 is on the minus strand). VCF-style: chr9-14740190-C-T. GRCh37 (hg19) VCF-style: chr9-14740188-C-T.
Other names: c.1907G>A, p.Arg636Gln (NM_001177704.3, NM_001370061.2); c.1641G>A, p.Ala547= (NM_001370058.2); c.6299G>A, p.Arg2100Gln (NM_144966.7); short protein forms R636Q, R2100Q.
Identifiers: ClinVar variation 3517057 (VCV003517057.2).